The following is an entry in ClinVar:

NM_032043.3(BRIP1):c.1474-3418G>A

Gene: BRIP1 (BRCA1 interacting DNA helicase 1; minus strand). Cytogenetic location: 17q23.2.
Variant type: single nucleotide variant.
Coding change: c.1474-3418G>A on transcript NM_032043.3 (MANE Select); 3418 bases into the intron before coding-DNA position 1474, G replaced by A.
Molecular consequence: intron variant.
Genome position (GRCh38, 1-based): chr17:61,787,842, C>T on the plus strand (G>A on the coding strand, the complement: BRIP1 is on the minus strand). VCF-style: chr17-61787842-C-T. GRCh37 (hg19) VCF-style: chr17-59865203-C-T.
Identifiers: ClinVar variation 3228088 (VCV003228088.1), dbSNP rs1320009810, ClinGen allele CA773812687.

ClinVar aggregate classification (germline): Uncertain significance (1 of 4 stars; one submission).

Conditions:
Hereditary cancer-predisposing syndrome. Also called: Neoplastic Syndromes, Hereditary; Tumor predisposition; Hereditary neoplastic syndrome; Hereditary Cancer Syndrome. Identifiers: Orphanet 140162, MedGen C0027672, MeSH D009386, MONDO:0015356.

Allele frequency attached by ClinVar (database versions not stated): TOPMed below 0.00001.

Submission:

Ambry Genetics
Classification: Uncertain significance for Hereditary cancer-predisposing syndrome. Last evaluated: 2023-11-29. Review status: criteria provided, single submitter. Criteria: Ambry Variant Classification Scheme 2023. Collection method: clinical testing. Allele origin: germline.
Comment: The c.1474-3418G>A intronic variant results from a G to A substitution 3418 nucleotides upstream from coding exon 10 in the BRIP1 gene. This nucleotide position is conserved on limited sequence alignment. In silico splice site analysis for this alteration is inconclusive and direct evidence is insufficient at this time (Ambry internal data). Since supporting evidence is limited at this time, the clinical significance of this alteration remains unclear.